The following is an entry in ClinVar:

ClinVar aggregate classification (germline): Benign. Review status: criteria provided, multiple submitters, no conflicts (2 of 4 stars). 6 submissions from 6 submitters: Benign (4). 2 of the submissions do not count toward it. Last evaluated 2026-08-01.

Conditions:
Inborn genetic diseases. Identifiers: MedGen C0950123, MeSH D030342.

Allele frequency attached by ClinVar (database versions not stated): 1000 Genomes Project 0.00200; 1000 Genomes Project 30x 0.00203; TOPMed 0.00358; ESP Exome Variant Server 0.00375; gnomAD 0.00559 and 0.00587; ExAC 0.00623.

Submissions (6):

CeGaT Center for Human Genetics Tuebingen
Classification: Benign. Last evaluated: 2026-08-01. Review status: criteria provided, single submitter. Criteria: CeGaT Center For Human Genetics Tuebingen Variant Classification Criteria Version 2. Collection method: clinical testing. Allele origin: germline. Affected: yes. Observed: 30 variant alleles.
Comment: SHANK3: BP4, BP7, BS1, BS2

GeneDx
Classification: Benign. Last evaluated: 2021-04-06. Review status: criteria provided, single submitter. Criteria: GeneDx Variant Classification Process June 2021. Collection method: clinical testing. Allele origin: germline. Affected: yes.

Ambry Genetics
Classification: Benign for Inborn genetic diseases. Last evaluated: 2017-05-31. Review status: criteria provided, single submitter. Criteria: Ambry Variant Classification Scheme 2023. Collection method: clinical testing. Allele origin: germline.

Breakthrough Genomics
Classification: Benign. Review status: criteria provided, single submitter. Criteria: ACMG Guidelines, 2015. Collection method: not provided. Allele origin: germline. Inheritance: Autosomal dominant inheritance. Affected: yes.

Clinical Genetics, Academic Medical Center
Classification: Benign. Review status: no assertion criteria provided. Collection method: clinical testing. Allele origin: germline. Affected: yes. Study: VKGL Data-share Consensus. Not counted in ClinVar's aggregate classification.

Laboratory of Diagnostic Genome Analysis, Leiden University Medical Center (LUMC)
Classification: Likely benign. Review status: no assertion criteria provided. Collection method: clinical testing. Allele origin: germline. Affected: yes. Study: VKGL Data-share Consensus. Not counted in ClinVar's aggregate classification.

NM_001372044.2(SHANK3):c.2535G>A (p.Pro845=)

Gene: SHANK3 (SH3 and multiple ankyrin repeat domains 3; plus strand). Cytogenetic location: 22q13.33.
Variant type: single nucleotide variant.
Coding change: c.2535G>A on transcript NM_001372044.2 (MANE Select); coding-DNA position 2535, G replaced by A.
Protein change: p.Pro845=; no amino-acid change (proline 845 retained).
Molecular consequence: synonymous variant.
Genome position (GRCh38, 1-based): chr22:50,715,713, G>A. VCF-style: chr22-50715713-G-A. GRCh37 (hg19) VCF-style: chr22-51154141-G-A.
Other names: c.2310G>A, p.Pro770= (NM_033517.1).
Identifiers: ClinVar variation 589141 (VCV000589141.40), dbSNP rs117066889, ClinGen allele CA10325884.